The following is an entry in ClinVar:

ClinVar aggregate classification (germline): Uncertain significance (1 of 4 stars; one submission).

Conditions:
NIPBL-related disorder. Also called: NIPBL-related condition.

Submission:

PreventionGenetics, part of Exact Sciences
Classification: Uncertain significance for NIPBL-related condition. Last evaluated: 2023-04-05. Review status: criteria provided, single submitter. Criteria: ACMG Guidelines, 2015. Collection method: clinical testing. Allele origin: germline.
Comment: The NIPBL c.4070G>A variant is predicted to result in the amino acid substitution p.Arg1357Lys. To our knowledge, this variant has not been reported in the literature or in a large population database, indicating this variant is rare. At this time, the clinical significance of this variant is uncertain due to the absence of conclusive functional and genetic evidence.

NM_133433.4(NIPBL):c.4070G>A (p.Arg1357Lys)

Gene: NIPBL (NIPBL cohesin loading factor; plus strand). Cytogenetic location: 5p13.2.
Variant type: single nucleotide variant.
Coding change: c.4070G>A on transcript NM_133433.4 (MANE Select); coding-DNA position 4070, G replaced by A.
Protein change: p.Arg1357Lys; replaces arginine 1357 with lysine.
Molecular consequence: missense variant.
Genome position (GRCh38, 1-based): chr5:37,006,571, G>A. VCF-style: chr5-37006571-G-A. GRCh37 (hg19) VCF-style: chr5-37006673-G-A.
Other names: c.4070G>A, p.Arg1357Lys (NM_015384.5); short protein forms R1357K.
Identifiers: ClinVar variation 2633489 (VCV002633489.1), dbSNP rs2478148588, ClinGen allele CA359524887.